The following is an entry in ClinVar:

ClinVar aggregate classification (germline): Benign/Likely benign. Review status: criteria provided, multiple submitters, no conflicts (2 of 4 stars). 2 submissions from 2 submitters: Benign (1); Likely benign (1). Last evaluated 2025-04-28.

Conditions:
Tuberous sclerosis 1 (TSC1). Identifiers: Orphanet 805, MedGen C1854465, MONDO:0008612, OMIM 191100.

Submissions (2):

Myriad Genetics, Inc.
Classification: Benign for Tuberous sclerosis 1. Last evaluated: 2025-04-28. Review status: criteria provided, single submitter. Criteria: Myriad Autosomal Dominant, Autosomal Recessive and X-Linked Classification Criteria (2023). Collection method: clinical testing. Allele origin: unknown.
Comment: This variant is considered benign. This variant is a silent/synonymous amino acid change and it is not expected to impact splicing.

Labcorp Genetics (formerly Invitae), Labcorp
Classification: Likely benign for Tuberous sclerosis 1. Last evaluated: 2021-06-18. Review status: criteria provided, single submitter. Criteria: Invitae Variant Classification Sherloc (09022015). Collection method: clinical testing. Allele origin: germline.

NM_000368.5(TSC1):c.2580G>A (p.Glu860=)

Gene: TSC1 (TSC complex subunit 1; minus strand). Cytogenetic location: 9q34.13.
Variant type: single nucleotide variant.
Coding change: c.2580G>A on transcript NM_000368.5 (MANE Select); coding-DNA position 2580, G replaced by A.
Protein change: p.Glu860=; no amino-acid change (glutamic acid 860 retained).
Molecular consequence: synonymous variant.
Genome position (GRCh38, 1-based): chr9:132,900,760, C>T on the plus strand (G>A on the coding strand, the complement: TSC1 is on the minus strand). VCF-style: chr9-132900760-C-T. GRCh37 (hg19) VCF-style: chr9-135776147-C-T.
Other names: c.2577G>A, p.Glu859= (NM_001162426.2); c.2427G>A, p.Glu809= (NM_001162427.2); c.2217G>A, p.Glu739= (NM_001362177.2).
Identifiers: ClinVar variation 1567077 (VCV001567077.9), dbSNP rs1845329120, ClinGen allele CA467594455.